The following is an entry in ClinVar:

ClinVar aggregate classification (germline): Uncertain significance (1 of 4 stars; one submission).

gnomAD v4.1: 4 of 1,614,140 alleles (0.00025%); highest among the groups gnomAD compares: Non-Finnish European, 0.00034%; no homozygotes.

Submission:

Women's Health and Genetics/Laboratory Corporation of America, LabCorp
Classification: Uncertain significance. Last evaluated: 2026-04-14. Review status: criteria provided, single submitter. Criteria: LabCorp Variant Classification Summary - May 2015. Collection method: clinical testing. Allele origin: germline.
Comment: Variant summary: ETFDH c.334C>T (p.His112Tyr) results in a conservative amino acid change in the encoded protein sequence. Algorithms developed to predict the effect of missense changes on protein structure and function are either unavailable or do not agree on the potential impact of this missense change. The variant was absent in 251466 control chromosomes. The available data on variant occurrences in the general population are insufficient to allow any conclusion about variant significance. c.334C>T has been observed in an individual affected with Glutaric Aciduria, Type 2c (Beresford_2006, Olsen_2007). These data do not allow any conclusion about variant significance. To our knowledge, no experimental evidence demonstrating an impact on protein function has been reported. The following publications have been ascertained in the context of this evaluation (PMID: 16527485, 17584774). No submitters have cited clinical-significance assessments for this variant to ClinVar. Based on the evidence outlined above, the variant was classified as uncertain significance.

Literature cited by the submitters: PubMed 17584774; PubMed 16527485.

NM_004453.4(ETFDH):c.334C>T (p.His112Tyr)

Gene: ETFDH (electron transfer flavoprotein dehydrogenase; plus strand). Cytogenetic location: 4q32.1.
Variant type: single nucleotide variant.
Coding change: c.334C>T on transcript NM_004453.4 (MANE Select); coding-DNA position 334, C replaced by T.
Protein change: p.His112Tyr; replaces histidine 112 with tyrosine.
Molecular consequence: missense variant.
Genome position (GRCh38, 1-based): chr4:158,682,353, C>T. VCF-style: chr4-158682353-C-T. GRCh37 (hg19) VCF-style: chr4-159603505-C-T.
Other names: c.193C>T, p.His65Tyr (NM_001281737.2); c.151C>T, p.His51Tyr (NM_001281738.1); short protein forms H112Y, H51Y, H65Y.
Identifiers: ClinVar variation 4848582 (VCV004848582.1).
Genomic context (GRCh38, chr4:158,682,353, plus strand): 5'-GTGGCACATGAAAAGGACATCCGTGTGTGTCTAGTGGAGAAAGCTGCCCAGATAGGAGCT[C>T]ATACTCTCTCAGGGGCTTGCCTTGATCCAGGTGCTTTTAAAGAACTCTTCCCAGACTGGA-3'
Protein context (NP_004444.2, residues 102-122): LVEKAAQIGA[His112Tyr]TLSGACLDPG